The following is an entry in ClinVar:

ClinVar aggregate classification (germline): Uncertain significance (1 of 4 stars; one submission).

Conditions:
Inborn genetic diseases. Identifiers: MedGen C0950123, MeSH D030342.

Allele frequency attached by ClinVar (database versions not stated): gnomAD exomes below 0.00001; TOPMed below 0.00001; gnomAD 0.00001.
gnomAD v4.1: 2 of 1,609,048 alleles (0.00012%); highest among the groups gnomAD compares: Non-Finnish European, 0.00017%; no homozygotes.

Submission:

Ambry Genetics
Classification: Uncertain significance for Inborn genetic diseases. Last evaluated: 2023-12-02. Review status: criteria provided, single submitter. Criteria: Ambry Variant Classification Scheme 2023. Collection method: clinical testing. Allele origin: germline.
Comment: The p.I652V variant (also known as c.1954A>G), located in coding exon 17 of the LRRK2 gene, results from an A to G substitution at nucleotide position 1954. The isoleucine at codon 652 is replaced by valine, an amino acid with highly similar properties. This amino acid position is conserved. In addition, this alteration is predicted to be tolerated by in silico analysis. Since supporting evidence is limited at this time, the clinical significance of this alteration remains unclear.

NM_198578.4(LRRK2):c.1954A>G (p.Ile652Val)

Gene: LRRK2 (leucine rich repeat kinase 2; plus strand). Cytogenetic location: 12q12.
Variant type: single nucleotide variant.
Coding change: c.1954A>G on transcript NM_198578.4 (MANE Select); coding-DNA position 1954, A replaced by G.
Protein change: p.Ile652Val; replaces isoleucine 652 with valine.
Molecular consequence: missense variant.
Genome position (GRCh38, 1-based): chr12:40,277,900, A>G. VCF-style: chr12-40277900-A-G. GRCh37 (hg19) VCF-style: chr12-40671702-A-G.
Other names: short protein forms I652V.
Identifiers: ClinVar variation 1783276 (VCV001783276.2), dbSNP rs1444918969, ClinGen allele CA384404378.
Genomic context (GRCh38, chr12:40,277,900, plus strand): 5'-TTTTGCCTGTAATTGCTTATTTTATTATTTTTTTTCTTATACTTTTAGGGATTTCAGACA[A>G]TCTTAGCAATCCTCAAATTGTCAGCATCTTTTTCTAAGCTGCTGGTGCATCATTCATTTG-3'
Protein context (NP_940980.4, residues 642-662): AEIQTKGFQT[Ile652Val]LAILKLSASF